The following is an entry in ClinVar:

NM_213599.3(ANO5):c.598C>T (p.Leu200Phe)

Gene: ANO5 (anoctamin 5; plus strand). Cytogenetic location: 11p14.3.
Variant type: single nucleotide variant.
Coding change: c.598C>T on transcript NM_213599.3 (MANE Select); coding-DNA position 598, C replaced by T.
Protein change: p.Leu200Phe; replaces leucine 200 with phenylalanine.
Molecular consequence: missense variant.
Genome position (GRCh38, 1-based): chr11:22,227,536, C>T. VCF-style: chr11-22227536-C-T. GRCh37 (hg19) VCF-style: chr11-22249082-C-T.
Other names: c.595C>T, p.Leu199Phe (NM_001142649.2); short protein forms L199F, L200F.
Identifiers: ClinVar variation 1309828 (VCV001309828.3), dbSNP rs1323200040, ClinGen allele CA379919992.

ClinVar aggregate classification (germline): Uncertain significance. Review status: criteria provided, multiple submitters, no conflicts (2 of 4 stars). 2 submissions from 2 submitters: Uncertain significance (2). Last evaluated 2025-03-13.

Conditions:
Gnathodiaphyseal dysplasia (GDD). Also called: GNATHODIAPHYSEAL SCLEROSIS; OSTEOGENESIS IMPERFECTA WITH UNUSUAL SKELETAL LESIONS. Identifiers: Orphanet 53697, MedGen C1833736, MONDO:0008151, OMIM 166260.
Autosomal recessive limb-girdle muscular dystrophy type 2L (LGMDR12). Also called: Limb-girdle muscular dystrophy, type 2L; MUSCULAR DYSTROPHY, LIMB-GIRDLE, AUTOSOMAL RECESSIVE 12; Limb-Girdle Muscular Dystrophy R12 Anoctamin-5-Related (LGMD-R12). Identifiers: Orphanet 206549, MedGen C1969785, MONDO:0012652, OMIM 611307.

Allele frequency attached by ClinVar (database versions not stated): gnomAD exomes below 0.00001.

Submissions (2):

Labcorp Genetics (formerly Invitae), Labcorp
Classification: Uncertain significance for Autosomal recessive limb-girdle muscular dystrophy type 2L; Gnathodiaphyseal dysplasia. Last evaluated: 2025-03-13. Review status: criteria provided, single submitter. Criteria: Invitae Variant Classification Sherloc (09022015). Collection method: clinical testing. Allele origin: germline.
Comment: This sequence change replaces leucine, which is neutral and non-polar, with phenylalanine, which is neutral and non-polar, at codon 200 of the ANO5 protein (p.Leu200Phe). This variant is present in population databases (no rsID available, gnomAD no frequency). This variant has not been reported in the literature in individuals affected with ANO5-related conditions. ClinVar contains an entry for this variant (Variation ID: 1309828). An algorithm developed to predict the effect of missense changes on protein structure and function outputs the following: PolyPhen-2: "Benign". The phenylalanine amino acid residue is found in multiple mammalian species, which suggests that this missense change does not adversely affect protein function. In summary, the available evidence is currently insufficient to determine the role of this variant in disease. Therefore, it has been classified as a Variant of Uncertain Significance.

GeneDx
Classification: Uncertain significance. Last evaluated: 2019-11-04. Review status: criteria provided, single submitter. Criteria: GeneDx Variant Classification Process June 2021. Collection method: clinical testing. Allele origin: germline. Affected: yes.
Comment: Not observed at a significant frequency in large population cohorts (Lek et al., 2016); In silico analysis, which includes protein predictors and evolutionary conservation, supports that this variant does not alter protein structure/function; Has not been previously published as pathogenic or benign to our knowledge